The following is an entry in ClinVar:

ClinVar aggregate classification (germline): Uncertain significance. Review status: criteria provided, multiple submitters, no conflicts (2 of 4 stars). 4 submissions from 4 submitters: Uncertain significance (4). Last evaluated 2025-01-22.

Conditions:
Classic or attenuated familial adenomatous polyposis. Identifiers: MedGen CN372698, MONDO:0021057.
Hereditary cancer-predisposing syndrome. Also called: Neoplastic Syndromes, Hereditary; Hereditary Cancer Syndrome; Tumor predisposition; Hereditary neoplastic syndrome. Identifiers: Orphanet 140162, MedGen C0027672, MeSH D009386, MONDO:0015356.
Familial adenomatous polyposis 1 (FAP1). Also called: FAMILIAL ADENOMATOUS POLYPOSIS 1, ATTENUATED; POLYPOSIS, ADENOMATOUS INTESTINAL. Identifiers: MedGen C2713442, MONDO:0021056, OMIM 175100. Disease mechanism: loss of function.

Allele frequency attached by ClinVar (database versions not stated): gnomAD exomes below 0.00001.
gnomAD v4.1: 1 of 1,614,110 alleles (0.000062%); highest among the groups gnomAD compares: Non-Finnish European, 0.000085%; no homozygotes.

Submissions (4):

Ambry Genetics
Classification: Uncertain significance for Hereditary cancer-predisposing syndrome. Last evaluated: 2025-01-22. Review status: criteria provided, single submitter. Criteria: Ambry Variant Classification Scheme 2023. Collection method: clinical testing. Allele origin: germline.
Comment: The p.H785R variant (also known as c.2354A>G), located in coding exon 15 of the APC gene, results from an A to G substitution at nucleotide position 2354. The histidine at codon 785 is replaced by arginine, an amino acid with highly similar properties. This amino acid position is highly conserved in available vertebrate species. In addition, in silico predictors for this gene do not accurately predict pathogenicity. Missense alterations in APC are not a common cause of disease (Spier I et al. Genet Med. 2024 Feb;26(2):100992). Based on the available evidence, the clinical significance of this variant remains unclear.

All of Us Research Program, National Institutes of Health
Classification: Uncertain significance for Classic or attenuated familial adenomatous polyposis. Last evaluated: 2023-10-02. Review status: criteria provided, single submitter. Criteria: ACMG Guidelines, 2015. Collection method: clinical testing. Allele origin: germline. Inheritance: Autosomal dominant inheritance. Observed: 1 variant allele, 1 heterozygote.
Comment: This missense variant replaces histidine with arginine at codon 785 of the APC protein. Computational prediction suggests that this variant may not impact protein structure and function (internally defined REVEL score threshold <= 0.5, PMID: 27666373). To our knowledge, functional studies have not been reported for this variant. This variant has not been reported in individuals affected with APC-related disorders in the literature. This variant has not been identified in the general population by the Genome Aggregation Database (gnomAD). The available evidence is insufficient to determine the role of this variant in disease conclusively. Therefore, this variant is classified as a Variant of Uncertain Significance.

This study involves interpretation of variants in research participants for the purpose of population health screening. Participant phenotype was not available at the time of variant classification. Additional details can be found in publication PMID: 35346344, PMCID: PMC8962531

Labcorp Genetics (formerly Invitae), Labcorp
Classification: Uncertain significance for Familial adenomatous polyposis 1. Last evaluated: 2022-12-24. Review status: criteria provided, single submitter. Criteria: Invitae Variant Classification Sherloc (09022015). Collection method: clinical testing. Allele origin: germline.
Comment: In summary, the available evidence is currently insufficient to determine the role of this variant in disease. Therefore, it has been classified as a Variant of Uncertain Significance. Advanced modeling of protein sequence and biophysical properties (such as structural, functional, and spatial information, amino acid conservation, physicochemical variation, residue mobility, and thermodynamic stability) performed at Invitae indicates that this missense variant is not expected to disrupt APC protein function. ClinVar contains an entry for this variant (Variation ID: 971162). This variant has not been reported in the literature in individuals affected with APC-related conditions. This variant is not present in population databases (gnomAD no frequency). This sequence change replaces histidine, which is basic and polar, with arginine, which is basic and polar, at codon 785 of the APC protein (p.His785Arg).

Quest Diagnostics Nichols Institute San Juan Capistrano
Classification: Uncertain significance. Last evaluated: 2019-11-27. Review status: criteria provided, single submitter. Criteria: Quest Diagnostics criteria. Collection method: clinical testing. Allele origin: unknown.

NM_000038.6(APC):c.2354A>G (p.His785Arg)

Gene: APC (APC regulator of Wnt signaling pathway; plus strand). Cytogenetic location: 5q22.2.
Variant type: single nucleotide variant.
Coding change: c.2354A>G on transcript NM_000038.6 (MANE Select); coding-DNA position 2354, A replaced by G.
Protein change: p.His785Arg; replaces histidine 785 with arginine.
Molecular consequence: missense variant.
Genome position (GRCh38, 1-based): chr5:112,837,948, A>G. VCF-style: chr5-112837948-A-G. GRCh37 (hg19) VCF-style: chr5-112173645-A-G.
Other names: c.2354A>G, p.His785Arg (NM_001127510.3, NM_001354895.2); c.2300A>G, p.His767Arg (NM_001127511.3); c.2408A>G, p.His803Arg (NM_001354896.2); c.2384A>G, p.His795Arg (NM_001354897.2); c.2279A>G, p.His760Arg (NM_001354898.2); c.2270A>G, p.His757Arg (NM_001354899.2); c.2231A>G, p.His744Arg (NM_001354900.2); c.2177A>G, p.His726Arg (NM_001354901.2); and 5 more; short protein forms H502R, H744R, H785R, H625R, H684R, H757R, H760R, H795R.
Identifiers: ClinVar variation 971162 (VCV000971162.15), dbSNP rs1765161032, ClinGen allele CA16026498.